The following is an entry in ClinVar:

NM_001868.4(CPA1):c.703A>G (p.Met235Val)

Gene: CPA1 (carboxypeptidase A1; plus strand). Cytogenetic location: 7q32.2.
Variant type: single nucleotide variant.
Coding change: c.703A>G on transcript NM_001868.4 (MANE Select); coding-DNA position 703, A replaced by G.
Protein change: p.Met235Val; replaces methionine 235 with valine.
Molecular consequence: missense variant.
Genome position (GRCh38, 1-based): chr7:130,384,542, A>G. VCF-style: chr7-130384542-A-G. GRCh37 (hg19) VCF-style: chr7-130024383-A-G.
Other names: short protein forms M235V.
Identifiers: ClinVar variation 1756818 (VCV001756818.3), dbSNP rs1796447870, ClinGen allele CA369282892.

ClinVar aggregate classification (germline): Uncertain significance (1 of 4 stars; one submission).

Conditions:
Hereditary pancreatitis (PCTT). Also called: Hereditary chronic pancreatitis; PRSS1-Related Hereditary Pancreatitis. Identifiers: Orphanet 676, MedGen C0238339, MONDO:0008185, OMIM 167800.

Allele frequency attached by ClinVar (database versions not stated): gnomAD exomes below 0.00001.
gnomAD v4.1: 1 of 1,614,104 alleles (0.000062%); highest among the groups gnomAD compares: Non-Finnish European, 0.000085%; no homozygotes.

Submission:

Ambry Genetics
Classification: Uncertain significance for Hereditary pancreatitis. Last evaluated: 2024-09-08. Review status: criteria provided, single submitter. Criteria: Ambry Variant Classification Scheme 2023. Collection method: clinical testing. Allele origin: germline.
Comment: The p.M235V variant (also known as c.703A>G), located in coding exon 7 of the CPA1 gene, results from an A to G substitution at nucleotide position 703. The methionine at codon 235 is replaced by valine, an amino acid with highly similar properties. This amino acid position is conserved. In addition, this alteration is predicted to be tolerated by in silico analysis. Since supporting evidence is limited at this time, the clinical significance of this alteration remains unclear.